The following is an entry in ClinVar:

ClinVar aggregate classification (germline): Pathogenic/Likely pathogenic. Review status: criteria provided, multiple submitters, no conflicts (2 of 4 stars). 5 submissions from 5 submitters: Pathogenic (2); Likely pathogenic (2). 1 of the submissions does not count toward it. Last evaluated 2024-09-16.

Conditions:
PMM2-congenital disorder of glycosylation. Also called: PHOSPHOMANNOMUTASE 2 DEFICIENCY; CARBOHYDRATE-DEFICIENT GLYCOPROTEIN SYNDROME, TYPE Ia; JAEKEN SYNDROME; PMM2-CDG; Congenital disorder of glycosylation, type Ia; CDG Ia. Identifiers: Orphanet 79318, MedGen C0349653, MONDO:0008907, OMIM 212065.

Allele frequency attached by ClinVar (database versions not stated): gnomAD exomes below 0.00001.
gnomAD v4.1: 3 of 1,560,144 alleles (0.00019%); highest among the groups gnomAD compares: South Asian, 0.0011%; no homozygotes.

Submissions (5):

Department of Human Genetics, Hannover Medical School
Classification: Likely pathogenic for PMM2-congenital disorder of glycosylation. Last evaluated: 2024-09-16. Review status: criteria provided, single submitter. Criteria: ACMG Guidelines, 2015. Collection method: clinical testing. Allele origin: germline. Affected: yes.

Labcorp Genetics (formerly Invitae), Labcorp
Classification: Pathogenic for PMM2-congenital disorder of glycosylation. Last evaluated: 2022-11-15. Review status: criteria provided, single submitter. Criteria: Invitae Variant Classification Sherloc (09022015). Collection method: clinical testing. Allele origin: germline.
Comment: Disruption of this splice site has been observed in individual(s) with congenital disorder of glycosylation type 1a (PMID: 19235233). This variant is present in population databases (no rsID available, gnomAD 0.003%). This sequence change affects an acceptor splice site in intron 3 of the PMM2 gene. RNA analysis indicates that disruption of this splice site induces altered splicing and may result in an absent or disrupted protein product. ClinVar contains an entry for this variant (Variation ID: 370282). For these reasons, this variant has been classified as Pathogenic. Studies have shown that disruption of this splice site results in skipping of exons 3 and 4 and introduces a premature termination codon (PMID: 19235233). The resulting mRNA is expected to undergo nonsense-mediated decay.

Fulgent Genetics
Classification: Likely pathogenic for PMM2-congenital disorder of glycosylation. Last evaluated: 2022-03-23. Review status: criteria provided, single submitter. Criteria: ACMG Guidelines, 2015. Collection method: clinical testing. Allele origin: unknown.

Centre for Mendelian Genomics, University Medical Centre Ljubljana
Classification: Pathogenic for PMM2-congenital disorder of glycosylation. Last evaluated: 2019-12-13. Review status: criteria provided, single submitter. Criteria: ACMG Guidelines, 2015. Collection method: clinical testing. Allele origin: unknown. Affected: yes.
Comment: This variant was classified as: Pathogenic. The following ACMG criteria were applied in classifying this variant: PVS1,PS2,PM2,PP5.

Counsyl
Classification: Likely pathogenic for PMM2-congenital disorder of glycosylation. Last evaluated: 2015-12-30. Review status: no assertion criteria provided. Collection method: clinical testing. Allele origin: unknown. Not counted in ClinVar's aggregate classification.

Literature cited by the submitters: PubMed 19235233 (cited by Labcorp Genetics (formerly Invitae), Labcorp).

NM_000303.3(PMM2):c.256-2A>G

Gene: PMM2 (phosphomannomutase 2; plus strand). Cytogenetic location: 16p13.2.
Variant type: single nucleotide variant.
Coding change: c.256-2A>G on transcript NM_000303.3 (MANE Select); the canonical splice acceptor site of the intron before coding-DNA position 256, A replaced by G.
Molecular consequence: splice acceptor variant.
Genome position (GRCh38, 1-based): chr16:8,806,314, A>G. VCF-style: chr16-8806314-A-G. GRCh37 (hg19) VCF-style: chr16-8900171-A-G.
Identifiers: ClinVar variation 370282 (VCV000370282.15), dbSNP rs1057516372, ClinGen allele CA16041795.
Genomic context (GRCh38, chr16:8,806,314, plus strand): 5'-TATGAAGCTGTTTTGAAAATGCTCCTGCTAAATCAAGTAACTCAAGTATTTTCTTCATCT[A>G]GAATATTCAAAGTCATCTGGGTGAGGCCCTAATCCAAGATTTAATCAACTACTGTCTGAG-3'